The following is an entry in ClinVar:

NM_001042492.3(NF1):c.3441T>A (p.Leu1147=)

Gene: NF1 (neurofibromin 1; plus strand). Cytogenetic location: 17q11.2.
Variant type: single nucleotide variant.
Coding change: c.3441T>A on transcript NM_001042492.3 (MANE Select); coding-DNA position 3441, T replaced by A.
Protein change: p.Leu1147=; no amino-acid change (leucine 1147 retained).
Molecular consequence: synonymous variant.
Genome position (GRCh38, 1-based): chr17:31,232,826, T>A. VCF-style: chr17-31232826-T-A. GRCh37 (hg19) VCF-style: chr17-29559844-T-A.
Other names: c.3441T>A, p.Leu1147= (NM_000267.4).
Identifiers: ClinVar variation 3664820 (VCV003664820.3).
Genomic context (GRCh38, chr17:31,232,826, plus strand): 5'-AGGTGGCAGGAAACGTGGCATGTCTCGGAGGCTGGCATCACTGAGGCACTGTACGGTCCT[T>A]GCAATGTCAAACTTACTCAATGCCAACGTAGACAGTGGTCTCATGCACTCCATAGGTGAG-3'
Protein context (NP_001035957.1, residues 1137-1157): RLASLRHCTV[Leu1147=]AMSNLLNANV

ClinVar aggregate classification (germline): Benign/Likely benign. Review status: criteria provided, multiple submitters, no conflicts (2 of 4 stars). 2 submissions from 2 submitters: Benign (1); Likely benign (1). Last evaluated 2026-05-20.

Conditions:
Neurofibromatosis, type 1 (NF1). Also called: Neurofibromatosis, type I; NEUROFIBROMATOSIS, TYPE I, SOMATIC; Peripheral type neurofibromatosis; VON RECKLINGHAUSEN DISEASE. Identifiers: Orphanet 636, MedGen C0027831, MONDO:0018975, OMIM 162200. Disease mechanism: loss of function.

Submissions (2):

Myriad Genetics, Inc.
Classification: Benign for Neurofibromatosis, type 1. Last evaluated: 2026-05-20. Review status: criteria provided, single submitter. Criteria: Myriad Autosomal Dominant, Autosomal Recessive and X-Linked Classification Criteria (2023). Collection method: clinical testing. Allele origin: unknown.
Comment: This variant is considered benign. This variant is a silent/synonymous amino acid change and it is not expected to impact splicing.

Labcorp Genetics (formerly Invitae), Labcorp
Classification: Likely benign for Neurofibromatosis, type 1. Last evaluated: 2024-09-06. Review status: criteria provided, single submitter. Criteria: Invitae Variant Classification Sherloc (09022015). Collection method: clinical testing. Allele origin: germline.